The following is an entry in ClinVar:

ClinVar aggregate classification (germline): Benign/Likely benign. Review status: criteria provided, multiple submitters, no conflicts (2 of 4 stars). 2 submissions from 2 submitters: Benign (1); Likely benign (1). Last evaluated 2026-08-01.

Allele frequency attached by ClinVar (database versions not stated): 1000 Genomes Project 30x 0.00047; 1000 Genomes Project 0.00060; TOPMed 0.00158; gnomAD 0.00214 and 0.00226; ESP Exome Variant Server 0.00216; ExAC 0.00505.
gnomAD v4.1: 4,450 of 1,608,418 alleles (0.28%); highest among the groups gnomAD compares: Non-Finnish European, 0.3%; 18 homozygotes.

Submissions (2):

CeGaT Center for Human Genetics Tuebingen
Classification: Likely benign. Last evaluated: 2026-08-01. Review status: criteria provided, single submitter. Criteria: CeGaT Center For Human Genetics Tuebingen Variant Classification Criteria Version 2. Collection method: clinical testing. Allele origin: germline. Affected: yes. Observed: 4 variant alleles.
Comment: ROBO1: BP4, BP7, BS2

Labcorp Genetics (formerly Invitae), Labcorp
Classification: Benign. Last evaluated: 2026-01-19. Review status: criteria provided, single submitter. Criteria: Invitae Variant Classification Sherloc (09022015). Collection method: clinical testing. Allele origin: germline.

NM_002941.4(ROBO1):c.1224C>T (p.Ser408=)

Gene: ROBO1 (roundabout guidance receptor 1; minus strand). Cytogenetic location: 3p12.3.
Variant type: single nucleotide variant.
Coding change: c.1224C>T on transcript NM_002941.4 (MANE Select); coding-DNA position 1224, C replaced by T.
Protein change: p.Ser408=; no amino-acid change (serine 408 retained).
Molecular consequence: synonymous variant.
Genome position (GRCh38, 1-based): chr3:78,685,864, G>A on the plus strand (C>T on the coding strand, the complement: ROBO1 is on the minus strand). VCF-style: chr3-78685864-G-A. GRCh37 (hg19) VCF-style: chr3-78735014-G-A.
Other names: c.1116C>T, p.Ser372= (NM_001145845.2, NM_133631.4).
Identifiers: ClinVar variation 776474 (VCV000776474.31), dbSNP rs200759888, ClinGen allele CA2499012.